The following is an entry in ClinVar:

NM_015267.4(CUX2):c.2604C>T (p.Tyr868=)

Gene: CUX2 (cut like homeobox 2; plus strand). Cytogenetic location: 12q24.12.
Variant type: single nucleotide variant.
Coding change: c.2604C>T on transcript NM_015267.4 (MANE Select); coding-DNA position 2604, C replaced by T.
Protein change: p.Tyr868=; no amino-acid change (tyrosine 868 retained).
Molecular consequence: synonymous variant.
Genome position (GRCh38, 1-based): chr12:111,320,613, C>T. VCF-style: chr12-111320613-C-T. GRCh37 (hg19) VCF-style: chr12-111758417-C-T.
Other names: c.2418C>T, p.Tyr806= (NM_001370598.1).
Identifiers: ClinVar variation 738733 (VCV000738733.6), dbSNP rs183927879, ClinGen allele CA6788914.

ClinVar aggregate classification (germline): Benign/Likely benign. Review status: criteria provided, multiple submitters, no conflicts (2 of 4 stars). 3 submissions from 3 submitters: Benign (1); Likely benign (1). 1 of the submissions does not count toward it. Last evaluated 2024-10-15.

Conditions:
CUX2-related disorder. Also called: CUX2-related condition.

Allele frequency attached by ClinVar (database versions not stated): gnomAD exomes 0.00009 and 0.00020; ESP Exome Variant Server 0.00040; ExAC 0.00055; 1000 Genomes Project 30x 0.00062; gnomAD 0.00079 and 0.00085; 1000 Genomes Project 0.00080; TOPMed 0.00094.
gnomAD v4.1: 260 of 1,574,330 alleles (0.017%); highest among the groups gnomAD compares: African/African-American, 0.29%; no homozygotes.

Submissions (3):

Blueprint Genetics
Classification: Likely benign. Last evaluated: 2024-10-15. Review status: criteria provided, single submitter. Criteria: ACMG Guidelines, 2015. Collection method: clinical testing. Allele origin: germline.

Labcorp Genetics (formerly Invitae), Labcorp
Classification: Benign. Last evaluated: 2018-07-30. Review status: criteria provided, single submitter. Criteria: Invitae Variant Classification Sherloc (09022015). Collection method: clinical testing. Allele origin: germline.

PreventionGenetics, part of Exact Sciences
Classification: Likely benign for CUX2-related condition. Last evaluated: 2019-03-22. Review status: no assertion criteria provided. Collection method: clinical testing. Allele origin: germline. Not counted in ClinVar's aggregate classification.
Comment: This variant is classified as likely benign based on ACMG/AMP sequence variant interpretation guidelines (Richards et al. 2015 PMID: 25741868, with internal and published modifications).